The following is an entry in ClinVar:

ClinVar aggregate classification (germline): Uncertain significance (1 of 4 stars; one submission).

Submission:

Dasa
Classification: Uncertain significance. Last evaluated: 2025-11-03. Review status: criteria provided, single submitter. Criteria: DASA Assertion Criteria. Collection method: clinical testing. Allele origin: germline.
Comment: NM_004456.5(EZH2):c.1546+3_1546+4del is a splice-region variant predicted to affect normal RNA splicing. Multiple computational predictions support a deleterious effect on the gene or gene product. The variant is present at low frequency in population datasets. Based on the available data, this variant is classified as variant of uncertain significance.

NM_004456.5(EZH2):c.1546+3_1546+4del

Gene: EZH2 (enhancer of zeste 2 polycomb repressive complex 2 subunit; minus strand). Cytogenetic location: 7q36.1.
Variant type: Deletion.
Coding change: c.1546+3_1546+4del on transcript NM_004456.5 (MANE Select); bases 3 to 4 of the intron after coding-DNA position 1546, 2 bases deleted (TA; older notation c.1546+3_1546+4delTA).
Molecular consequence: intron variant.
Genome position (GRCh38, 1-based): chr7:148,815,502-148,815,503, TA deleted on the plus strand (TA on the coding strand, the reverse complement: EZH2 is on the minus strand). VCF-style (leftmost placement, unchanged base first): chr7-148815501-CTA-C. GRCh37 (hg19) VCF-style: chr7-148512593-CTA-C.
Other names: c.1504+3_1504+4del (NM_001203248.2, NM_001203249.2); c.1414+3_1414+4del (NM_152998.3); c.1531+3_1531+4del (NM_001203247.2).
Identifiers: ClinVar variation 4851915 (VCV004851915.1).